The following is an entry in ClinVar:

ClinVar aggregate classification (germline): Conflicting classifications of pathogenicity. Review status: criteria provided, conflicting classifications (1 of 4 stars). 4 submissions from 4 submitters: Pathogenic (2); Likely pathogenic (1); Uncertain significance (1). Last evaluated 2025-08-20.

Conditions:
Autosomal dominant nonsyndromic hearing loss 36. Identifiers: Orphanet 90635, MedGen C1847626, MONDO:0011708, OMIM 606705.
Autosomal recessive nonsyndromic hearing loss 7. Also called: DEAFNESS, AUTOSOMAL RECESSIVE 11. Identifiers: Orphanet 90636, MedGen C1832978, MONDO:0010967, OMIM 600974.

Allele frequency attached by ClinVar (database versions not stated): TOPMed 0.00004; 1000 Genomes Project 0.00020; 1000 Genomes Project 30x 0.00031.
gnomAD v4.1: 24 of 1,614,086 alleles (0.0015%); highest among the groups gnomAD compares: Admixed American, 0.02%; no homozygotes.

Submissions (4):

ENT and Head and Neck Research Center and Department,  The Five Senses Health Institute, Iran University of Medical Sciences
Classification: Pathogenic for Autosomal recessive nonsyndromic hearing loss 7. Last evaluated: 2025-08-20. Review status: criteria provided, single submitter. Criteria: ClinGen HL ACMG Specifications v1. Collection method: clinical testing. Allele origin: germline. Affected: yes.
Comment: PM2: Extremely low frequency in gnomAD population databases, PM5: Different amino acid change as a known pathogenic variant, PP2: Missense variant in a gene with low rate of benign missense mutations and for which missense mutation is a common mechanism of a disease, PP5: Reputable source recently reports variant as pathogenic, PP3: AlphaMissense = 0.853 is between 0.787 and 0.956 ⇒ supporting pathogenic, PP1: Segregation in one affected relative for recessive,

Labcorp Genetics (formerly Invitae), Labcorp
Classification: Pathogenic. Last evaluated: 2025-03-31. Review status: criteria provided, single submitter. Criteria: Invitae Variant Classification Sherloc (09022015). Collection method: clinical testing. Allele origin: germline.
Comment: This sequence change replaces aspartic acid, which is acidic and polar, with asparagine, which is neutral and polar, at codon 684 of the TMC1 protein (p.Asp684Asn). This variant is present in population databases (rs563322370, gnomAD 0.01%). This missense change has been observed in individual(s) with autosomal recessive deafness (PMID: 26561413, 37108562; internal data). In at least one individual the data is consistent with being in trans (on the opposite chromosome) from a pathogenic variant. ClinVar contains an entry for this variant (Variation ID: 374758). Invitae Evidence Modeling of protein sequence and biophysical properties (such as structural, functional, and spatial information, amino acid conservation, physicochemical variation, residue mobility, and thermodynamic stability) indicates that this missense variant is not expected to disrupt TMC1 protein function with a negative predictive value of 80%. This variant disrupts the p.Asp684 amino acid residue in TMC1. Other variant(s) that disrupt this residue have been determined to be pathogenic (PMID: 29533536, 30896630, 33095980). This suggests that this residue is clinically significant, and that variants that disrupt this residue are likely to be disease-causing. For these reasons, this variant has been classified as Pathogenic.

Fulgent Genetics
Classification: Likely pathogenic for Autosomal recessive nonsyndromic hearing loss 7; Autosomal dominant nonsyndromic hearing loss 36. Last evaluated: 2024-01-08. Review status: criteria provided, single submitter. Criteria: ACMG Guidelines, 2015. Collection method: clinical testing. Allele origin: germline.

CeGaT Center for Human Genetics Tuebingen
Classification: Uncertain significance. Last evaluated: 2016-07-31. Review status: criteria provided, single submitter. Criteria: Praxis fuer Humangenetik Tuebingen - Variant Classification Criteria. Collection method: clinical testing. Allele origin: germline. Affected: yes. Observed: 2 variant alleles.

Literature cited by the submitters: PubMed 41231290 (cited by ENT and Head and Neck Research Center and Department,  The Five Senses Health Institute, Iran University of Medical Sciences); PubMed 26561413 (cited by Labcorp Genetics (formerly Invitae), Labcorp); PubMed 37108562 (cited by Labcorp Genetics (formerly Invitae), Labcorp); PubMed 29533536 (cited by Labcorp Genetics (formerly Invitae), Labcorp); PubMed 30896630 (cited by Labcorp Genetics (formerly Invitae), Labcorp); PubMed 33095980 (cited by Labcorp Genetics (formerly Invitae), Labcorp).

NM_138691.3(TMC1):c.2050G>A (p.Asp684Asn)

Gene: TMC1 (transmembrane channel like 1; plus strand). Cytogenetic location: 9q21.13.
Variant type: single nucleotide variant.
Coding change: c.2050G>A on transcript NM_138691.3 (MANE Select); coding-DNA position 2050, G replaced by A.
Protein change: p.Asp684Asn; replaces aspartic acid 684 with asparagine.
Molecular consequence: missense variant.
Genome position (GRCh38, 1-based): chr9:72,826,915, G>A. VCF-style: chr9-72826915-G-A. GRCh37 (hg19) VCF-style: chr9-75441831-G-A.
Other names: short protein forms D684N.
Identifiers: ClinVar variation 374758 (VCV000374758.8), dbSNP rs563322370, ClinGen allele CA5082132.